The following is an entry in ClinVar:

NM_005045.4(RELN):c.10104G>T (p.Gly3368=)

Genes: RELN (reelin; minus strand), SLC26A5-AS1 (SLC26A5 antisense RNA 1; plus strand). Cytogenetic location: 7q22.1.
Variant type: single nucleotide variant.
Coding change: c.10104G>T on transcript NM_005045.4 (MANE Select); coding-DNA position 10104, G replaced by T.
Protein change: p.Gly3368=; no amino-acid change (glycine 3368 retained).
Molecular consequence: synonymous variant.
Genome position (GRCh38, 1-based): chr7:103,483,730, C>A on the plus strand (G>T on the coding strand, the complement: RELN is on the minus strand). VCF-style: chr7-103483730-C-A. GRCh37 (hg19) VCF-style: chr7-103124177-C-A.
Other names: c.10104G>T, p.Gly3368= (NM_173054.3).
Identifiers: ClinVar variation 5040959 (VCV005040959.1).

ClinVar aggregate classification (germline): Likely benign (1 of 4 stars; one submission).

gnomAD v4.1: 2 of 1,614,168 alleles (0.00012%); highest among the groups gnomAD compares: South Asian, 0.0022%; no homozygotes.

Submission:

CeGaT Center for Human Genetics Tuebingen
Classification: Likely benign. Last evaluated: 2026-09-01. Review status: criteria provided, single submitter. Criteria: CeGaT Center For Human Genetics Tuebingen Variant Classification Criteria Version 2. Collection method: clinical testing. Allele origin: germline. Affected: yes. Observed: 1 variant allele.
Comment: RELN: BP4, BP7